The following is an entry in ClinVar:

ClinVar aggregate classification (germline): Conflicting classifications of pathogenicity. Review status: criteria provided, conflicting classifications (1 of 4 stars). 16 submissions from 15 submitters: Uncertain significance (6); Likely benign (6). 4 of the submissions do not count toward it. Last evaluated 2026-03-30.

Conditions:
PALB2-related disorder. Also called: PALB2-related disorders; PALB2-related condition.
Hereditary cancer-predisposing syndrome. Also called: Neoplastic Syndromes, Hereditary; Tumor predisposition; Hereditary Cancer Syndrome; Hereditary neoplastic syndrome. Identifiers: Orphanet 140162, MedGen C0027672, MeSH D009386, MONDO:0015356.
Endometrial carcinoma. Also called: Endometrial carcinoma, somatic. Identifiers: MedGen C0476089, MONDO:0002447, OMIM 608089, HP:0012114.
Familial cancer of breast. Also called: hereditary breast carcinoma; Hereditary breast cancer; BREAST CANCER, FAMILIAL. Identifiers: Orphanet 227535, MedGen C0346153, MONDO:0016419, OMIM 114480. Disease mechanism: loss of function.
Malignant tumor of breast. Also called: Cancer breast; Malignant breast neoplasm. Identifiers: MedGen C0006142, MONDO:0007254. Disease mechanism: loss of function.

Allele frequency attached by ClinVar (database versions not stated): ExAC 0.00002; gnomAD exomes 0.00005 and 0.00020; TOPMed 0.00005; gnomAD 0.00007.

Submissions 1 to 14 of 16:

Women's Health and Genetics/Laboratory Corporation of America, LabCorp
Classification: Likely benign. Last evaluated: 2026-03-30. Review status: criteria provided, single submitter. Criteria: LabCorp Variant Classification Summary - May 2015. Collection method: clinical testing. Allele origin: germline.
Comment: Variant summary: PALB2 c.2200A>T (p.Thr734Ser) results in a conservative amino acid change in the encoded protein sequence. Algorithms developed to predict the effect of missense changes on protein structure and function are either unavailable or do not agree on the potential impact of this missense change.The variant allele was found at a frequency of 0.00018 in 1626984 control chromosomes, predominantly at a frequency of 0.00024 within the Non-Finnish European subpopulation in the gnomAD database. The observed variant frequency within Non-Finnish European control individuals in the gnomAD database is approximately 2-fold of the estimated maximal expected allele frequency for a pathogenic variant in PALB2 causing Hereditary Breast And Ovarian Cancer Syndrome phenotype (0.00016). c.2200A>T has been reported in the literature in individuals affected with Hereditary Breast And Ovarian Cancer Syndrome (e.g. Rahman_2007, Sauty de Chalon_2010, Tischkowitz_2012,Tung_2014, Thompson_2015, Ramus_2015, Caminsky_2016, Shindo_2017, Lattimore_2021, Bhai_2021) . These reports do not provide unequivocal conclusions about association of the variant with Hereditary Breast And Ovarian Cancer Syndrome. Co-occurrences with other pathogenic variants have been reported (CHEK2 c.1100delC, p.T367fs*15 (internal testing); BRCA2 c.1929delG, p.Arg645fsX15 (Tung_2014); NBN c.127C>T, p.Arg43X and MUTYH c.1187-2A>G (Bhai_2021)), providing supporting evidence for a benign role. At least one publication reports experimental evidence evaluating an impact on protein function and showed the variant to have proficient HDR activity, providing supporting evidence for a benign role (Wiltshire_2020). The following publications have been ascertained in the context of this evaluation (PMID: 26898890, 33471991, 33113089, 17200668, 26315354, 20091115, 28767289, 26283626, 22241545, 25186627, 31636395, 34326862). ClinVar contains an entry for this variant (Variation ID: 126640). Based on the evidence outlined above, the variant was classified as likely benign.

PreventionGenetics, part of Exact Sciences
Classification: Likely benign for PALB2-related condition. Last evaluated: 2026-03-16. Review status: criteria provided, single submitter. Criteria: ACMG Guidelines, 2015. Collection method: clinical testing. Allele origin: germline.
Comment: This variant is classified as likely benign based on ACMG/AMP sequence variant interpretation guidelines (Richards et al. 2015 PMID: 25741868, with internal and published modifications).

Labcorp Genetics (formerly Invitae), Labcorp
Classification: Likely benign for Familial cancer of breast. Last evaluated: 2026-01-18. Review status: criteria provided, single submitter. Criteria: Invitae Variant Classification Sherloc (09022015). Collection method: clinical testing. Allele origin: germline.

Quest Diagnostics Nichols Institute San Juan Capistrano
Classification: Uncertain significance. Last evaluated: 2025-09-25. Review status: criteria provided, single submitter. Criteria: Quest Diagnostics criteria. Collection method: clinical testing. Allele origin: unknown.
Comment: The PALB2 c.2200A>T (p.Thr734Ser) variant has been reported in the published literature in individuals with breast and/or ovarian cancer (PMID: 17200668 (2007), 20091115 (2010), 22241545 (2012), 25186627 (2015), 26315354 (2015), 34326862 (2021), 33113089 (2021), 32885271 (2021), 32546565 (2021), 33471991 (2021), see also LOVD), pancreatic cancer (PMID: 28767289 (2017)), and reportedly unaffected individuals (PMID: 17200668 (2007), 26283626 (2015), 26315354 (2015), 32546565 (2021), 33471991 (2021), see also LOVD). A functional study demonstrated that this variant retained protein activity, however additional studies are needed to determine the global effect of this variant on PALB2 protein function (PMID: 31636395 (2020)). The frequency of this variant in the general population (Genome Aggregation Database) is uninformative in the assessment of its pathogenicity. Analysis of this variant using bioinformatics tools for the prediction of the effect of amino acid changes on protein structure and function yielded conflicting predictions that this variant is benign or damaging. Based on the available information, we are unable to determine the clinical significance of this variant.

Ambry Genetics
Classification: Likely benign for Hereditary cancer-predisposing syndrome. Last evaluated: 2025-06-23. Review status: criteria provided, single submitter. Criteria: Ambry Variant Classification Scheme 2023. Collection method: clinical testing. Allele origin: germline.

GeneDx
Classification: Uncertain significance. Last evaluated: 2025-02-23. Review status: criteria provided, single submitter. Criteria: GeneDx Variant Classification Process June 2021. Collection method: clinical testing. Allele origin: germline. Affected: yes.
Comment: Observed in multiple individuals with breast or pancreatic cancer (PMID: 20091115, 22241545, 25186627, 26898890, 28767289, 34326862); Observed at comparable frequencies in control populations and in individuals with breast, ovarian, or other cancers (PMID: 17200668, 26315354, 26283626, 28779002, 29641532, 32546565); Published functional studies suggest no damaging effect: HDR activity comparable to wild type (PMID: 31636395); In silico analysis supports that this missense variant has a deleterious effect on protein structure/function; This variant is associated with the following publications: (PMID: 26898890, 17200668, 20091115, 26283626, 25186627, 22241545, 26315354, 28779002, 28767289, 28440294, 28873162, 29641532, 32659497, 32546565, 22941656, 34326862, 31636395, 37937776)

Blueprint Genetics
Classification: Uncertain significance. Last evaluated: 2024-10-21. Review status: criteria provided, single submitter. Criteria: ACMG Guidelines, 2015. Collection method: clinical testing. Allele origin: germline.

Color Diagnostics, LLC DBA Color Health
Classification: Likely benign for Hereditary cancer-predisposing syndrome. Last evaluated: 2024-10-16. Review status: criteria provided, single submitter. Criteria: ACMG Guidelines, 2015. Collection method: clinical testing. Allele origin: germline.

Baylor Genetics
Classification: Uncertain significance for Familial cancer of breast. Last evaluated: 2024-03-24. Review status: criteria provided, single submitter. Criteria: ACMG Guidelines, 2015. Collection method: clinical testing. Allele origin: unknown.

Myriad Genetics, Inc.
Classification: Likely benign for Familial cancer of breast. Last evaluated: 2023-03-31. Review status: criteria provided, single submitter. Criteria: Myriad Autosomal Dominant, Autosomal Recessive and X-Linked Classification Criteria (2023). Collection method: clinical testing. Allele origin: unknown.
Comment: This variant is considered likely benign. This variant is strongly associated with less severe personal and family histories of cancer, typical for individuals without pathogenic variants in this gene [PMID: 25085752].

Sema4
Classification: Uncertain significance for Hereditary cancer-predisposing syndrome. Last evaluated: 2022-03-12. Review status: criteria provided, single submitter. Criteria: Sema4 Curation Guidelines. Collection method: curation. Allele origin: germline.
Comment: The PALB2 c.2200A>T (p.T734S) variant has been reported in several individuals with breast cancer and pancreatic adenocarcinoma (PMID 22241545, 17200668, 28767289, 33471991, 28779002, 33113089), but has also been observed in controls (PMIDs 26283626, 17200668, 33471991). This variant was observed in 15/129182 chromosomes in the Non-Finnish European subpopulation according to the Genome Aggregation Database (PMID 32461654). This variant has been reported in ClinVar (Variation ID 126640). In silico tools suggest the impact of the variant on protein function is inconclusive, though functional studies using the homology-directed DNA repair (HDR) assay report that the variant is functionally normal (PMID 31636395). The overall evidence is insufficient to meet ACMG/AMP criteria for classifying it as benign or pathogenic. In summary, the clinical significance of this variant is currently uncertain.

Cancer Genetics Laboratory, Peter MacCallum Cancer Centre
Classification: Uncertain significance for Familial cancer of breast. Last evaluated: 2015-06-01. Review status: criteria provided, single submitter. Criteria: Thompson et al. (Breast Cancer Res. 2015). Collection method: case-control. Allele origin: germline. Affected: no. Observed: 3 variant alleles, 3 heterozygotes.

Leiden Open Variation Database
Classification: Uncertain significance for Familial cancer of breast. Last evaluated: 2019-05-13. Review status: no assertion criteria provided. Collection method: curation. Allele origin: germline. Affected: yes. Not counted in ClinVar's aggregate classification.
Comment: Curators: Marc Tischkowitz, Arleen D. Auerbach. Submitter to LOVD: Marc Tischkowitz.

Counsyl
Classification: Uncertain significance for Familial cancer of breast. Last evaluated: 2016-09-16. Review status: no assertion criteria provided. Collection method: clinical testing. Allele origin: unknown. Not counted in ClinVar's aggregate classification.

NM_024675.4(PALB2):c.2200A>T (p.Thr734Ser)

Gene: PALB2 (partner and localizer of BRCA2; minus strand). Cytogenetic location: 16p12.2.
Variant type: single nucleotide variant.
Coding change: c.2200A>T on transcript NM_024675.4 (MANE Select); coding-DNA position 2200, A replaced by T.
Protein change: p.Thr734Ser; replaces threonine 734 with serine.
Molecular consequence: missense variant.
Genome position (GRCh38, 1-based): chr16:23,629,954, T>A on the plus strand (A>T on the coding strand, the complement: PALB2 is on the minus strand). VCF-style: chr16-23629954-T-A. GRCh37 (hg19) VCF-style: chr16-23641275-T-A.
Other names: p.T734S:ACT>TCT; short protein forms T734S.
Identifiers: ClinVar variation 126640 (VCV000126640.49), dbSNP rs45543843, ClinGen allele CA288435.